The following is an entry in ClinVar:

NM_001365276.2(TNXB):c.6661T>A (p.Phe2221Ile)

Gene: TNXB (tenascin XB; minus strand). Cytogenetic location: 6p21.33.
Variant type: single nucleotide variant.
Coding change: c.6661T>A on transcript NM_001365276.2 (MANE Select); coding-DNA position 6661, T replaced by A.
Protein change: p.Phe2221Ile; replaces phenylalanine 2221 with isoleucine.
Molecular consequence: missense variant.
Genome position (GRCh38, 1-based): chr6:32,065,001, A>T on the plus strand (T>A on the coding strand, the complement: TNXB is on the minus strand). VCF-style: chr6-32065001-A-T. GRCh37 (hg19) VCF-style: chr6-32032778-A-T.
Other names: c.7402T>A, p.Phe2468Ile (NM_001428335.1); c.6661T>A, p.Phe2221Ile (NM_019105.8); short protein forms F2221I, F2468I.
Identifiers: ClinVar variation 4865830 (VCV004865830.1).
Genomic context (GRCh38, chr6:32,065,001, plus strand): 5'-GCACCCGCACCGCCTTGGGCTGCCCGTCCCCATTCTTAAACTGGACCAAGAAATGGTCAA[A>T]CTGGCCCTCGGGGACTGTCCAGGAGAGGCTGAGGGAGTCGGAGGTGATGTCTCTCACTGT-3'
Protein context (NP_001352205.1, residues 2211-2231): SLSWTVPEGQ[Phe2221Ile]DHFLVQFKNG

ClinVar aggregate classification (germline): Uncertain significance (1 of 4 stars; one submission).

Conditions:
Cardiovascular phenotype. Identifiers: MedGen CN230736.

gnomAD v4.1: 1 of 1,612,284 alleles (0.000062%); highest among the groups gnomAD compares: Non-Finnish European, 0.000085%; no homozygotes.

Submission:

Ambry Genetics
Classification: Uncertain significance for Cardiovascular phenotype. Last evaluated: 2026-05-14. Review status: criteria provided, single submitter. Criteria: Ambry Variant Classification Scheme 2023. Collection method: clinical testing. Allele origin: germline.
Comment: The p.F2221I variant (also known as c.6661T>A), located in coding exon 18 of the TNXB gene, results from a T to A substitution at nucleotide position 6661. The phenylalanine at codon 2221 is replaced by isoleucine, an amino acid with highly similar properties. This amino acid position is conserved. In addition, this alteration is predicted to be tolerated by in silico analysis. Based on the available evidence, the clinical significance of this variant remains unclear.